The following is an entry in ClinVar:

ClinVar aggregate classification (germline): Uncertain significance. Review status: criteria provided, multiple submitters, no conflicts (2 of 4 stars). 5 submissions from 4 submitters: Uncertain significance (5). Last evaluated 2025-11-13.

Conditions:
Warburg micro syndrome 2 (WARBM2). Also called: MICRO SYNDROME 2. Identifiers: Orphanet 2510, MedGen C3280214, MONDO:0013641, OMIM 614225.
Martsolf syndrome 1. Identifiers: Orphanet 1387, MedGen C5542298, MONDO:8000008, OMIM 212720.
Inborn genetic diseases. Identifiers: MedGen C0950123, MeSH D030342.
Martsolf syndrome (MARTS). Also called: Congenital cataract with intellectual disability and hypogonadotropic hypogonadism syndrome. Identifiers: Orphanet 1387, MedGen C0796037, MONDO:0023910.

Allele frequency attached by ClinVar (database versions not stated): gnomAD exomes 0.00001 and 0.00006; ESP Exome Variant Server 0.00008; ExAC 0.00011; 1000 Genomes Project 30x 0.00016; 1000 Genomes Project 0.00020; gnomAD 0.00021 and 0.00023; TOPMed 0.00026.
gnomAD v4.1: 58 of 1,596,442 alleles (0.0036%); highest among the groups gnomAD compares: African/African-American, 0.063%; no homozygotes.

Submissions (5):

Ambry Genetics
Classification: Uncertain significance for Inborn genetic diseases. Last evaluated: 2025-11-13. Review status: criteria provided, single submitter. Criteria: Ambry Variant Classification Scheme 2023. Collection method: clinical testing. Allele origin: germline.

Labcorp Genetics (formerly Invitae), Labcorp
Classification: Uncertain significance for Martsolf syndrome; Warburg micro syndrome 2. Last evaluated: 2022-08-14. Review status: criteria provided, single submitter. Criteria: Invitae Variant Classification Sherloc (09022015). Collection method: clinical testing. Allele origin: germline.
Comment: This sequence change replaces serine, which is neutral and polar, with proline, which is neutral and non-polar, at codon 654 of the RAB3GAP2 protein (p.Ser654Pro). This variant is present in population databases (rs147587414, gnomAD 0.08%). This variant has not been reported in the literature in individuals affected with RAB3GAP2-related conditions. ClinVar contains an entry for this variant (Variation ID: 295655). Algorithms developed to predict the effect of missense changes on protein structure and function are either unavailable or do not agree on the potential impact of this missense change (SIFT: "Tolerated"; PolyPhen-2: "Possibly Damaging"; Align-GVGD: "Class C0"). In summary, the available evidence is currently insufficient to determine the role of this variant in disease. Therefore, it has been classified as a Variant of Uncertain Significance.

Laboratorio de Genetica e Diagnostico Molecular, Hospital Israelita Albert Einstein
Classification: Uncertain significance for Martsolf syndrome 1; Warburg micro syndrome 2. Last evaluated: 2021-06-01. Review status: criteria provided, single submitter. Criteria: ACMG Guidelines, 2015. Collection method: clinical testing. Allele origin: germline. Affected: yes.
Comment: ACMG classification criteria: BP4

Illumina Laboratory Services, Illumina
Classification: Uncertain significance for Warburg micro syndrome 2. Last evaluated: 2018-01-13. Review status: criteria provided, single submitter. Criteria: ICSL Variant Classification Criteria 13 December 2019. Collection method: clinical testing. Allele origin: germline.

Illumina Laboratory Services, Illumina
Classification: Uncertain significance for Martsolf syndrome 1. Last evaluated: 2018-01-13. Review status: criteria provided, single submitter. Criteria: ICSL Variant Classification Criteria 13 December 2019. Collection method: clinical testing. Allele origin: germline.

NM_012414.4(RAB3GAP2):c.1960T>C (p.Ser654Pro)

Gene: RAB3GAP2 (RAB3 GTPase activating non-catalytic protein subunit 2; minus strand). Cytogenetic location: 1q41.
Variant type: single nucleotide variant.
Coding change: c.1960T>C on transcript NM_012414.4 (MANE Select); coding-DNA position 1960, T replaced by C.
Protein change: p.Ser654Pro; replaces serine 654 with proline.
Molecular consequence: missense variant.
Genome position (GRCh38, 1-based): chr1:220,184,074, A>G on the plus strand (T>C on the coding strand, the complement: RAB3GAP2 is on the minus strand). VCF-style: chr1-220184074-A-G. GRCh37 (hg19) VCF-style: chr1-220357416-A-G.
Other names: short protein forms S654P.
Identifiers: ClinVar variation 295655 (VCV000295655.10), dbSNP rs147587414, ClinGen allele CA1402546.